The following is an entry in ClinVar:

ClinVar aggregate classification (germline): Likely benign. Review status: criteria provided, multiple submitters, no conflicts (2 of 4 stars). 3 submissions from 3 submitters: Likely benign (3). Last evaluated 2025-08-15.

Conditions:
Episodic ataxia type 2 (EA2). Also called: ATAXIA, EPISODIC, WITH NYSTAGMUS; ATAXIA, FAMILIAL PAROXYSMAL; CEREBELLAR ATAXIA, PAROXYSMAL, ACETAZOLAMIDE-RESPONSIVE; CEREBELLOPATHY, HEREDITARY PAROXYSMAL; EPISODIC ATAXIA, NYSTAGMUS-ASSOCIATED; ACETAZOLAMIDE-RESPONSIVE HEREDITARY PAROXYSMAL CEREBELLAR ATAXIA. Identifiers: Orphanet 97, MedGen C1720416, MONDO:0007163, OMIM 108500.
Developmental and epileptic encephalopathy, 42 (DEE42A). Also called: Epileptic encephalopathy, early infantile, 42; DEVELOPMENTAL AND EPILEPTIC ENCEPHALOPATHY 42A; EPILEPTIC ENCEPHALOPATHY, EARLY INFANTILE, 42A. Identifiers: MedGen C4310716, MONDO:0014917, OMIM 617106.

Allele frequency attached by ClinVar (database versions not stated): gnomAD 0.00001; gnomAD exomes 0.00001 and 0.00003; TOPMed 0.00002.
gnomAD v4.1: 37 of 1,607,544 alleles (0.0023%); highest among the groups gnomAD compares: Non-Finnish European, 0.0031%; no homozygotes.

Submissions (3):

Athena Diagnostics
Classification: Likely benign. Last evaluated: 2025-08-15. Review status: criteria provided, single submitter. Criteria: Athena Diagnostics Criteria. Collection method: clinical testing. Allele origin: unknown.
Comment: Computational tools yielded predictions that this variant is unlikely to have an effect on normal RNA splicing. This nucleotide position exhibits low evolutionary conservation.

Blueprint Genetics
Classification: Likely benign. Last evaluated: 2024-07-10. Review status: criteria provided, single submitter. Criteria: ACMG Guidelines, 2015. Collection method: clinical testing. Allele origin: germline.

Labcorp Genetics (formerly Invitae), Labcorp
Classification: Likely benign for Developmental and epileptic encephalopathy, 42; Episodic ataxia type 2. Last evaluated: 2023-08-16. Review status: criteria provided, single submitter. Criteria: Invitae Variant Classification Sherloc (09022015). Collection method: clinical testing. Allele origin: germline.

NM_001127222.2(CACNA1A):c.1071T>C (p.Gly357=)

Genes: CACNA1A (calcium voltage-gated channel subunit alpha1 A; minus strand), LOC126862866 (MED14-independent group 3 enhancer GRCh37_chr19:13445719-13446918; plus strand). Cytogenetic location: 19p13.13.
Variant type: single nucleotide variant.
Coding change: c.1071T>C on transcript NM_001127222.2 (MANE Select); coding-DNA position 1071, T replaced by C.
Protein change: p.Gly357=; no amino-acid change (glycine 357 retained).
Molecular consequence: synonymous variant.
Genome position (GRCh38, 1-based): chr19:13,335,817, A>G on the plus strand (T>C on the coding strand, the complement: CACNA1A is on the minus strand). VCF-style: chr19-13335817-A-G. GRCh37 (hg19) VCF-style: chr19-13446631-A-G.
Other names: c.1071T>C, p.Gly357= (NM_000068.4, NM_001127221.2, NM_001174080.2 and 1 more transcripts); c.1071T>C (NM_000068.2).
Identifiers: ClinVar variation 1137646 (VCV001137646.11), dbSNP rs1240852774, ClinGen allele CA505664232.